The following is an entry in ClinVar:

ClinVar aggregate classification (germline): Uncertain significance (1 of 4 stars; one submission).

Submission:

Labcorp Genetics (formerly Invitae), Labcorp
Classification: Uncertain significance. Last evaluated: 2023-11-27. Review status: criteria provided, single submitter. Criteria: Invitae Variant Classification Sherloc (09022015). Collection method: clinical testing. Allele origin: germline.
Comment: This sequence change replaces proline, which is neutral and non-polar, with arginine, which is basic and polar, at codon 2533 of the FAT2 protein (p.Pro2533Arg). This variant is not present in population databases (gnomAD no frequency). This variant has not been reported in the literature in individuals affected with FAT2-related conditions. ClinVar contains an entry for this variant (Variation ID: 2131364). Advanced modeling of protein sequence and biophysical properties (such as structural, functional, and spatial information, amino acid conservation, physicochemical variation, residue mobility, and thermodynamic stability) performed at Invitae indicates that this missense variant is not expected to disrupt FAT2 protein function with a negative predictive value of 80%. In summary, the available evidence is currently insufficient to determine the role of this variant in disease. Therefore, it has been classified as a Variant of Uncertain Significance.

NM_001447.3(FAT2):c.7598C>G (p.Pro2533Arg)

Genes: FAT2 (FAT atypical cadherin 2; minus strand), SLC36A1 (solute carrier family 36 member 1; plus strand). Cytogenetic location: 5q33.1.
Variant type: single nucleotide variant.
Coding change: c.7598C>G on transcript NM_001447.3 (MANE Select); coding-DNA position 7598, C replaced by G.
Protein change: p.Pro2533Arg; replaces proline 2533 with arginine.
Molecular consequence: missense variant.
Genome position (GRCh38, 1-based): chr5:151,543,529, G>C on the plus strand (C>G on the coding strand, the complement: FAT2 is on the minus strand). VCF-style: chr5-151543529-G-C. GRCh37 (hg19) VCF-style: chr5-150923090-G-C.
Other names: short protein forms P2533R.
Identifiers: ClinVar variation 2131364 (VCV002131364.4), dbSNP rs2127607790, ClinGen allele CA361834856.